The following is an entry in ClinVar:

ClinVar aggregate classification (germline): Uncertain significance (1 of 4 stars; one submission).

Submission:

Labcorp Genetics (formerly Invitae), Labcorp
Classification: Uncertain significance. Last evaluated: 2021-02-15. Review status: criteria provided, single submitter. Criteria: Invitae Variant Classification Sherloc (09022015). Collection method: clinical testing. Allele origin: germline.
Comment: This sequence change replaces glutamic acid with glycine at codon 1569 of the EYS protein (p.Glu1569Gly). The glutamic acid residue is moderately conserved and there is a moderate physicochemical difference between glutamic acid and glycine. This variant is not present in population databases (ExAC no frequency). This variant has not been reported in the literature in individuals with EYS-related conditions. Algorithms developed to predict the effect of missense changes on protein structure and function are either unavailable or do not agree on the potential impact of this missense change (SIFT: "Deleterious"; PolyPhen-2: "Probably Damaging"; Align-GVGD: "Class C0"). In summary, the available evidence is currently insufficient to determine the role of this variant in disease. Therefore, it has been classified as a Variant of Uncertain Significance.

NM_001142800.2(EYS):c.4706A>G (p.Glu1569Gly)

Gene: EYS (EGF-like photoreceptor maintenance factor; minus strand). Cytogenetic location: 6q12.
Variant type: single nucleotide variant.
Coding change: c.4706A>G on transcript NM_001142800.2 (MANE Select); coding-DNA position 4706, A replaced by G.
Protein change: p.Glu1569Gly; replaces glutamic acid 1569 with glycine.
Molecular consequence: missense variant.
Genome position (GRCh38, 1-based): chr6:64,591,161, T>C on the plus strand (A>G on the coding strand, the complement: EYS is on the minus strand). VCF-style: chr6-64591161-T-C. GRCh37 (hg19) VCF-style: chr6-65301054-T-C.
Other names: c.4706A>G, p.Glu1569Gly (NM_001292009.2); short protein forms E1569G.
Identifiers: ClinVar variation 1510351 (VCV001510351.8), dbSNP rs2149831897, ClinGen allele CA364782725.
Genomic context (GRCh38, chr6:64,591,161, plus strand): 5'-TTCATCCAGAATGTCTCATAAAAGTGGGACTGTTTGCTATGCAAAACTTGATCTGAGAAT[T>C]CACGAGAGGATTTTATTTCAGTCATAGAACATGTTGCACATGTTTGGCTTAATTCTCTTA-3'
Protein context (NP_001136272.1, residues 1559-1579): CSMTEIKSSR[Glu1569Gly]FSDQVLHSKQ